The following is an entry in ClinVar:

ClinVar aggregate classification (germline): Pathogenic (1 of 4 stars; one submission).

Conditions:
Tuberous sclerosis 2 (TSC2). Identifiers: Orphanet 805, MedGen C1860707, MONDO:0013199, OMIM 613254.

Submission:

Labcorp Genetics (formerly Invitae), Labcorp
Classification: Pathogenic for Tuberous sclerosis 2. Last evaluated: 2023-03-17. Review status: criteria provided, single submitter. Criteria: Invitae Variant Classification Sherloc (09022015). Collection method: clinical testing. Allele origin: germline.
Comment: Algorithms developed to predict the effect of sequence changes on RNA splicing suggest that this variant may disrupt the consensus splice site. For these reasons, this variant has been classified as Pathogenic. ClinVar contains an entry for this variant (Variation ID: 2113612). Disruption of this splice site has been observed in individuals with tuberous sclerosis complex (PMID: 10735580, 23389244, 27406250). This variant is not present in population databases (gnomAD no frequency). This sequence change affects an acceptor splice site in intron 4 of the TSC2 gene. It is expected to disrupt RNA splicing. Variants that disrupt the donor or acceptor splice site typically lead to a loss of protein function (PMID: 16199547), and loss-of-function variants in TSC2 are known to be pathogenic (PMID: 10205261, 17304050).

Literature cited by the submitters: PubMed 10735580; PubMed 23389244; PubMed 27406250; PubMed 16199547; PubMed 10205261; PubMed 17304050.

NM_000548.5(TSC2):c.337-2A>C

Gene: TSC2 (TSC complex subunit 2; plus strand). Cytogenetic location: 16p13.3.
Variant type: single nucleotide variant.
Coding change: c.337-2A>C on transcript NM_000548.5 (MANE Select); the canonical splice acceptor site of the intron before coding-DNA position 337, A replaced by C.
Molecular consequence: splice acceptor variant. On other transcripts: intron variant (6).
Genome position (GRCh38, 1-based): chr16:2,054,294, A>C. VCF-style: chr16-2054294-A-C. GRCh37 (hg19) VCF-style: chr16-2104295-A-C.
Other names: c.-1311-2A>C (NM_001406693.1); c.427-2A>C (NM_001406667.1, NM_001406668.1); c.-480-2A>C (NM_001406680.1, NM_001406683.1, NM_001406687.1); c.-1095-2A>C (NM_001406689.1, NM_001406690.1, NM_001406692.1 and 2 more transcripts); c.-1271-2A>C (NM_001406698.1); c.337-2A>C (NM_001114382.3, NM_001406663.1, NM_001406664.1 and 8 more transcripts); c.-976-2A>C (NM_001406694.1, NM_001406695.1); c.-1083-2A>C (NM_001406696.1); and 6 more.
Identifiers: ClinVar variation 2113612 (VCV002113612.4), dbSNP rs397515316, ClinGen allele CA394306360.